The following is an entry in ClinVar:

NM_000038.6(APC):c.-19+8302A>G

Gene: APC (APC regulator of WNT signaling pathway; plus strand). Cytogenetic location: 5q22.2.
Variant type: single nucleotide variant.
Coding change: c.-19+8302A>G on transcript NM_000038.6 (MANE Select); 8302 bases into the intron after 19 bases upstream of the start codon, A replaced by G.
Molecular consequence: intron variant.
Genome position (GRCh38, 1-based): chr5:112,746,227, A>G. VCF-style: chr5-112746227-A-G. GRCh37 (hg19) VCF-style: chr5-112081924-A-G.
Other names: c.-18-8646A>G (NM_001354895.2); c.166-20099A>G (NM_001354897.2, NM_001354902.2, NM_001127511.3); c.-19+7767A>G (NM_001127510.3); c.60+7767A>G (NM_001354898.2, NM_001354904.2); c.-1054+8302A>G (NM_001354906.2); c.-19+8302A>G (NM_001354896.2, NM_001354903.2, NM_001354899.2); c.-43+8302A>G (NM_001354900.2, NM_001354901.2, NM_001354905.2).
Identifiers: ClinVar variation 82779 (VCV000082779.2), dbSNP rs6594646, ClinGen allele CA007084.

ClinVar aggregate classification (germline): other (0 of 4 stars; one submission).

Conditions:
Familial colorectal cancer. Identifiers: MedGen CN280943, MONDO:0023113. Disease mechanism: loss of function.

Allele frequency attached by ClinVar (database versions not stated): gnomAD 0.38655 and 0.39961; TOPMed 0.40394; 1000 Genomes Project 30x 0.43051; 1000 Genomes Project 0.43650.
gnomAD v4.1: 60,914 of 151,976 alleles (40%); highest among the groups gnomAD compares: East Asian, 67%; 14,724 homozygotes.

Submission:

Systems Biology Platform Zhejiang California International NanoSystems Institute
Classification: other for Familial colorectal cancer. Review status: no assertion criteria provided. Collection method: not provided. Allele origin: unknown.
ClinVar note: Converted during submission from cancer to other.